The following is an entry in ClinVar:

ClinVar aggregate classification (germline): Uncertain significance (1 of 4 stars; one submission).

Conditions:
Wilson disease (WND). Also called: Wilson's disease. Identifiers: Orphanet 905, MedGen C0019202, MONDO:0010200, OMIM 277900. Disease mechanism: loss of function.

Submission:

All of Us Research Program, National Institutes of Health
Classification: Uncertain significance for Wilson disease. Last evaluated: 2023-09-17. Review status: criteria provided, single submitter. Criteria: ACMG Guidelines, 2015. Collection method: clinical testing. Allele origin: germline. Inheritance: Autosomal recessive inheritance. Observed: 1 variant allele, 1 heterozygote.
Comment: This missense variant replaces proline with glutamine at codon 472 of the ATP7B protein. Computational prediction suggests that this variant may not impact protein structure and function (internally defined REVEL score threshold <= 0.5, PMID: 27666373). To our knowledge, functional studies have not been reported for this variant. This variant has not been reported in individuals affected with ATP7B-related disorders in the literature. This variant has not been identified in the general population by the Genome Aggregation Database (gnomAD). The available evidence is insufficient to determine the role of this variant in disease conclusively. Therefore, this variant is classified as a Variant of Uncertain Significance.

This study involves interpretation of variants in research participants for the purpose of population health screening. Participant phenotype was not available at the time of variant classification. Additional details can be found in publication PMID: 35346344, PMCID: PMC8962531

NM_000053.4(ATP7B):c.1415C>A (p.Pro472Gln)

Gene: ATP7B (ATPase copper transporting beta; minus strand). Cytogenetic location: 13q14.3.
Variant type: single nucleotide variant.
Coding change: c.1415C>A on transcript NM_000053.4 (MANE Select); coding-DNA position 1415, C replaced by A.
Protein change: p.Pro472Gln; replaces proline 472 with glutamine.
Molecular consequence: missense variant. On other transcripts: intron variant (1).
Genome position (GRCh38, 1-based): chr13:51,970,620, G>T on the plus strand (C>A on the coding strand, the complement: ATP7B is on the minus strand). VCF-style: chr13-51970620-G-T. GRCh37 (hg19) VCF-style: chr13-52544756-G-T.
Other names: c.1415C>A, p.Pro472Gln (NM_001406527.1, NM_001406528.1, NM_001406531.1 and 28 more transcripts); c.1319C>A, p.Pro440Gln (NM_001406530.1, NM_001406517.1, NM_001406518.1 and 3 more transcripts); c.986C>A, p.Pro329Gln (NM_001406539.1); c.1285+3315C>A (NM_001406548.1); c.1082C>A, p.Pro361Gln (NM_001243182.2); short protein forms P329Q, P361Q, P440Q, P472Q.
Identifiers: ClinVar variation 3073413 (VCV003073413.1), dbSNP rs771789585, ClinGen allele CA388035682.